The following is an entry in ClinVar:

ClinVar aggregate classification (germline): Conflicting classifications of pathogenicity. Review status: criteria provided, conflicting classifications (1 of 4 stars). 10 submissions from 10 submitters: Uncertain significance (8); Likely benign (1). 1 of the submissions does not count toward it. Last evaluated 2026-01-26.

Conditions:
Hereditary nonpolyposis colorectal neoplasms. Identifiers: MedGen C0009405, MeSH D003123.
Endometrial carcinoma. Also called: Endometrial carcinoma, somatic. Identifiers: MedGen C0476089, MONDO:0002447, OMIM 608089, HP:0012114.
Mismatch repair cancer syndrome 3. Identifiers: MedGen C5436807, MONDO:0030841, OMIM 619097.
Lynch syndrome 5 (LYNCH5). Also called: Colorectal cancer, hereditary nonpolyposis, type 5; Hereditary non-polyposis colorectal cancer, type 5. Identifiers: Orphanet 144, MedGen C1833477, MONDO:0013710, OMIM 614350. Disease mechanism: loss of function.
Hereditary cancer-predisposing syndrome. Also called: Hereditary neoplastic syndrome; Hereditary Cancer Syndrome; Neoplastic Syndromes, Hereditary; Tumor predisposition. Identifiers: Orphanet 140162, MedGen C0027672, MeSH D009386, MONDO:0015356.
Lynch syndrome. Identifiers: Orphanet 144, MedGen C4552100, MONDO:0005835. Disease mechanism: loss of function.

Allele frequency attached by ClinVar (database versions not stated): TOPMed 0.00007; 1000 Genomes Project 0.00020; 1000 Genomes Project 30x 0.00031.
gnomAD v4.1: 14 of 1,571,690 alleles (0.00089%); highest among the groups gnomAD compares: African/African-American, 0.011%; no homozygotes.

Submissions (10):

Labcorp Genetics (formerly Invitae), Labcorp
Classification: Likely benign for Hereditary nonpolyposis colorectal neoplasms. Last evaluated: 2026-01-26. Review status: criteria provided, single submitter. Criteria: Invitae Variant Classification Sherloc (09022015). Collection method: clinical testing. Allele origin: germline.

Ambry Genetics
Classification: Uncertain significance for Hereditary cancer-predisposing syndrome. Last evaluated: 2025-05-19. Review status: criteria provided, single submitter. Criteria: Ambry Variant Classification Scheme 2023. Collection method: clinical testing. Allele origin: germline.
Comment: The p.R988L variant (also known as c.2963G>T), located in coding exon 4 of the MSH6 gene, results from a G to T substitution at nucleotide position 2963. The arginine at codon 988 is replaced by leucine, an amino acid with dissimilar properties. This amino acid position is not well conserved in available vertebrate species. In addition, the in silico prediction for this alteration is inconclusive. Based on the available evidence, the clinical significance of this variant remains unclear.

Fulgent Genetics
Classification: Uncertain significance for Endometrial carcinoma; Lynch syndrome 5; Mismatch repair cancer syndrome 3. Last evaluated: 2024-06-06. Review status: criteria provided, single submitter. Criteria: ACMG Guidelines, 2015. Collection method: clinical testing. Allele origin: germline.

Color Diagnostics, LLC DBA Color Health
Classification: Uncertain significance for Hereditary cancer-predisposing syndrome. Last evaluated: 2024-05-31. Review status: criteria provided, single submitter. Criteria: ACMG Guidelines, 2015. Collection method: clinical testing. Allele origin: germline.
Comment: This missense variant replaces arginine with leucine at codon 988 of the MSH6 protein. Computational prediction is inconclusive regarding the impact of this variant on protein structure and function (internally defined REVEL score threshold 0.5 < inconclusive < 0.7, PMID: 27666373). To our knowledge, functional studies have not been reported for this variant. This variant has not been reported in individuals affected with MSH6-related disorders in the literature. This variant has been reported in male and female breast cancer individuals (PMID: 30613976, 32885271). This variant has been identified in 4/217126 chromosomes in the general population by the Genome Aggregation Database (gnomAD). The available evidence is insufficient to determine the role of this variant in disease conclusively. Therefore, this variant is classified as a Variant of Uncertain Significance.

All of Us Research Program, National Institutes of Health
Classification: Uncertain significance for Lynch syndrome. Last evaluated: 2024-03-28. Review status: criteria provided, single submitter. Criteria: ACMG Guidelines, 2015. Collection method: clinical testing. Allele origin: germline. Inheritance: Autosomal dominant inheritance. Observed: 1 variant allele, 1 heterozygote.
Comment: This missense variant replaces arginine with leucine at codon 988 of the MSH6 protein. Computational prediction is inconclusive regarding the impact of this variant on protein structure and function (internally defined REVEL score threshold 0.5 < inconclusive < 0.7, PMID: 27666373). Splice site prediction tools suggest that this variant may not impact RNA splicing. To our knowledge, functional studies have not been performed for this variant. This variant has not been reported in individuals affected with hereditary cancer in the literature. This variant has been identified in 4/243102 chromosomes in the general population by the Genome Aggregation Database (gnomAD). The available evidence is insufficient to determine the role of this variant in disease conclusively. Therefore, this variant is classified as a Variant of Uncertain Significance.

This study involves interpretation of variants in research participants for the purpose of population health screening. Participant phenotype was not available at the time of variant classification. Additional details can be found in publication PMID: 35346344, PMCID: PMC8962531

Baylor Genetics
Classification: Uncertain significance for Endometrial carcinoma. Last evaluated: 2024-03-22. Review status: criteria provided, single submitter. Criteria: ACMG Guidelines, 2015. Collection method: clinical testing. Allele origin: unknown.

Quest Diagnostics Nichols Institute San Juan Capistrano
Classification: Uncertain significance. Last evaluated: 2023-04-07. Review status: criteria provided, single submitter. Criteria: Quest Diagnostics criteria. Collection method: clinical testing. Allele origin: unknown.
Comment: The frequency of this variant in the general population, 0.00016 (4/24508 chromosomes), is uninformative in assessment of its pathogenicity. In the published literature, the variant has been reported in individuals with breast cancer (PMID: 32885271 (2021)) and male breast cancer (PMID: 30613976 (2019)). Analysis of this variant using bioinformatics tools for the prediction of the effect of amino acid changes on protein structure and function yielded conflicting predictions that this variant is benign or damaging. Based on the available information, we are unable to determine the clinical significance of this variant.

Mendelics
Classification: Uncertain significance for Lynch syndrome. Last evaluated: 2018-07-02. Review status: criteria provided, single submitter. Criteria: Mendelics Assertion Criteria 2017. Collection method: clinical testing. Allele origin: unknown.

Women's Health and Genetics/Laboratory Corporation of America, LabCorp
Classification: Uncertain significance. Last evaluated: 2016-07-11. Review status: criteria provided, single submitter. Criteria: LabCorp Variant Classification Summary - May 2015. Collection method: clinical testing. Allele origin: germline.
Comment: Variant summary: The MSH6 c.2963G>T (p.Arg988Leu) variant involves the alteration of a conserved nucleotide. 2/4 in silico tools predict a benign outcome (SNPs&GO not captured due to low reliability index). Arg988 is located in the core and clamp domains of the DNA mismatch repair protein Msh6 protein. However, this variant has not been evaluated for functional impact by in vivo/vitro studies. This variant was found in 4/113780 control chromosomes, predominantly observed in the African subpopulation at a frequency of 0.0003906 (4/10240). This frequency is about 3 times the estimated maximal expected allele frequency of a pathogenic MSH6 variant (0.0001421), suggesting this is likely a benign polymorphism found primarily in the populations of African origin. It has not, to our knowledge, been reported in affected individuals via publications. In addition, one clinical diagnostic laboratory classified this variant as a VUS. Because of the absence of clinical information and the lack of functional studies, the variant was classified as a variant of uncertain significance (VUS)-possibly benign until additional information becomes available.

Department of Pathology and Laboratory Medicine, Sinai Health System
Classification: Uncertain significance. Review status: no assertion criteria provided. Collection method: clinical testing. Allele origin: unknown. Affected: yes. Study: The Canadian Open Genetics Repository (COGR). Not counted in ClinVar's aggregate classification.
Comment: The MSH6 p.Arg988Leu variant was identified in the literature, however the frequency of this variant in an affected population was not provided (Terui 2013). The variant was also identified in the following databases: dbSNP (ID: rs115386788) as "With Uncertain significance allele" and ClinVar/Clinvitae (2x, uncertain significance). The variant was not identified in the databases: Cosmic, MutDB, UMD-LSDB, Insight Colon Cancer Gene Variant Database, Zhejiang Colon Cancer Database, Mismatch Repair Genes Variant Database, or Insight Hereditary Tumors Database. The variant was identified in control databases in 4 of 243102 chromosomes at a frequency of 0.00002 increasing the likelihood that this may be a low frequency benign variant in certain populations of origin (Genome Aggregation Consortium Feb 27, 2017). The p.Arg988 residue is conserved across most mammals and other organisms, and computational analyses (PolyPhen-2, SIFT, AlignGVGD, BLOSUM, MutationTaster) provide inconsistent predictions regarding the impact to the protein; this information is not very predictive of pathogenicity. The variant occurs outside of the splicing consensus sequence and 2 of 5 in silico or computational prediction software programs (SpliceSiteFinder, MaxEntScan, NNSPLICE, GeneSplicer, HumanSpliceFinder) predict a greater than 10% difference in splicing; this is not very predictive of pathogenicity. One study predicted c.2963G>T as likely to be tolerated; this was through use of an algorithm developed specifically for MSH6 missense variants (Terui 2013). In summary, based on the above information the clinical significance of this variant cannot be determined with certainty at this time. This variant is classified as a variant of uncertain significance.

Literature cited by the submitters: PubMed 30613976 (cited by Color Diagnostics, LLC DBA Color Health and Quest Diagnostics Nichols Institute San Juan Capistrano); PubMed 32885271 (cited by Color Diagnostics, LLC DBA Color Health and Quest Diagnostics Nichols Institute San Juan Capistrano); PubMed 23621914 (cited by Quest Diagnostics Nichols Institute San Juan Capistrano and Women's Health and Genetics/Laboratory Corporation of America, LabCorp).

NM_000179.3(MSH6):c.2963G>T (p.Arg988Leu)

Gene: MSH6 (mutS homolog 6; plus strand). Cytogenetic location: 2p16.3.
Variant type: single nucleotide variant.
Coding change: c.2963G>T on transcript NM_000179.3 (MANE Select); coding-DNA position 2963, G replaced by T.
Protein change: p.Arg988Leu; replaces arginine 988 with leucine.
Molecular consequence: missense variant.
Genome position (GRCh38, 1-based): chr2:47,800,946, G>T. VCF-style: chr2-47800946-G-T. GRCh37 (hg19) VCF-style: chr2-48028085-G-T.
Other names: c.2573G>T, p.Arg858Leu (NM_001281492.2); c.2057G>T, p.Arg686Leu (NM_001281493.2, NM_001281494.2); short protein forms R988L, R686L, R858L.
Identifiers: ClinVar variation 229716 (VCV000229716.28), dbSNP rs115386788, ClinGen allele CA069886.